The following is an entry in ClinVar:

NM_001008537.3(NEXMIF):c.811G>T (p.Glu271Ter)

Gene: NEXMIF (neurite extension and migration factor; minus strand). Cytogenetic location: Xq13.3.
Variant type: single nucleotide variant.
Coding change: c.811G>T on transcript NM_001008537.3 (MANE Select); coding-DNA position 811, G replaced by T.
Protein change: p.Glu271Ter; replaces glutamic acid 271 with a stop codon.
Molecular consequence: nonsense.
Genome position (GRCh38, 1-based): chrX:74,743,746, C>A on the plus strand (G>T on the coding strand, the complement: NEXMIF is on the minus strand). VCF-style: chrX-74743746-C-A. GRCh37 (hg19) VCF-style: chrX-73963581-C-A.
Other names: short protein forms E271*.
Identifiers: ClinVar variation 2001401 (VCV002001401.4), dbSNP rs2519916160, ClinGen allele CA413672347.

ClinVar aggregate classification (germline): Pathogenic (1 of 4 stars; one submission).

Submission:

Labcorp Genetics (formerly Invitae), Labcorp
Classification: Pathogenic. Last evaluated: 2022-05-31. Review status: criteria provided, single submitter. Criteria: Invitae Variant Classification Sherloc (09022015). Collection method: clinical testing. Allele origin: germline.
Comment: This sequence change creates a premature translational stop signal (p.Glu271*) in the NEXMIF gene. It is expected to result in an absent or disrupted protein product. Loss-of-function variants in NEXMIF are known to be pathogenic (PMID: 23615299). This variant is not present in population databases (gnomAD no frequency). This variant has not been reported in the literature in individuals affected with NEXMIF-related conditions. For these reasons, this variant has been classified as Pathogenic.

Literature cited by the submitters: PubMed 23615299.